The following is an entry in ClinVar:

ClinVar aggregate classification (germline): Likely pathogenic (1 of 4 stars; one submission).

Submission:

Labcorp Genetics (formerly Invitae), Labcorp
Classification: Likely pathogenic. Last evaluated: 2019-07-24. Review status: criteria provided, single submitter. Criteria: Invitae Variant Classification Sherloc (09022015). Collection method: clinical testing. Allele origin: germline.
Comment: In summary, the currently available evidence indicates that the variant is pathogenic, but additional data are needed to prove that conclusively. Therefore, this variant has been classified as Likely Pathogenic. Donor and acceptor splice site variants typically lead to a loss of protein function (PMID: 16199547), and loss-of-function variants in SLC26A4 are known to be pathogenic (PMID: 16283880, 25394566, 26252218, 26445815). Algorithms developed to predict the effect of sequence changes on RNA splicing suggest that this variant may disrupt the consensus splice site, but this prediction has not been confirmed by published transcriptional studies. This variant has not been reported in the literature in individuals with SLC26A4-related conditions. This variant is not present in population databases (ExAC no frequency). This sequence change affects a donor splice site in intron 15 of the SLC26A4 gene. It is expected to disrupt RNA splicing and likely results in an absent or disrupted protein product.

Literature cited by the submitters: PubMed 16199547; PubMed 16283880; PubMed 25394566; PubMed 26252218; PubMed 26445815.

NM_000441.2(SLC26A4):c.1707+2T>G

Gene: SLC26A4 (solute carrier family 26 member 4; plus strand). Cytogenetic location: 7q22.3.
Variant type: single nucleotide variant.
Coding change: c.1707+2T>G on transcript NM_000441.2 (MANE Select); the canonical splice donor site of the intron after coding-DNA position 1707, T replaced by G.
Molecular consequence: splice donor variant.
Genome position (GRCh38, 1-based): chr7:107,700,177, T>G. VCF-style: chr7-107700177-T-G. GRCh37 (hg19) VCF-style: chr7-107340622-T-G.
Identifiers: ClinVar variation 958546 (VCV000958546.8), dbSNP rs1554360707, ClinGen allele CA368842402.